The following is an entry in ClinVar:

NM_001080517.3(SETD5):c.569A>T (p.Asn190Ile)

Gene: SETD5 (SET domain containing 5; plus strand). Cytogenetic location: 3p25.3.
Variant type: single nucleotide variant.
Coding change: c.569A>T on transcript NM_001080517.3 (MANE Select); coding-DNA position 569, A replaced by T.
Protein change: p.Asn190Ile; replaces asparagine 190 with isoleucine.
Molecular consequence: missense variant.
Genome position (GRCh38, 1-based): chr3:9,440,457, A>T. VCF-style: chr3-9440457-A-T. GRCh37 (hg19) VCF-style: chr3-9482141-A-T.
Other names: c.275A>T, p.Asn92Ile (NM_001292043.2, NM_001349451.2); short protein forms N190I, N92I.
Identifiers: ClinVar variation 2725364 (VCV002725364.3), dbSNP rs2472655506, ClinGen allele CA351686861.
Genomic context (GRCh38, chr3:9,440,457, plus strand): 5'-TTCCCAACCCTCTATTTATGCATGGACTTTACTAACCTCCCTGAATTTGTTTTCTACAGA[A>T]TTCTCCCTCTGAAGCACAGAATTTAGATGAGAATACAACTGAGGGCTGGGAAAATCGGAT-3'
Protein context (NP_001073986.1, residues 180-200): RAAPKTKKIK[Asn190Ile]SPSEAQNLDE

ClinVar aggregate classification (germline): Uncertain significance (1 of 4 stars; one submission).

Submission:

Labcorp Genetics (formerly Invitae), Labcorp
Classification: Uncertain significance. Last evaluated: 2023-06-23. Review status: criteria provided, single submitter. Criteria: Invitae Variant Classification Sherloc (09022015). Collection method: clinical testing. Allele origin: germline.
Comment: This variant is not present in population databases (gnomAD no frequency). In summary, the available evidence is currently insufficient to determine the role of this variant in disease. Therefore, it has been classified as a Variant of Uncertain Significance. An algorithm developed to predict the effect of missense changes on protein structure and function (PolyPhen-2) suggests that this variant is likely to be disruptive. This variant has not been reported in the literature in individuals affected with SETD5-related conditions. This sequence change replaces asparagine, which is neutral and polar, with isoleucine, which is neutral and non-polar, at codon 190 of the SETD5 protein (p.Asn190Ile).